The following is an entry in ClinVar:

ClinVar aggregate classification (germline): Uncertain significance (1 of 4 stars; one submission).

Allele frequency attached by ClinVar (database versions not stated): gnomAD exomes below 0.00001.
gnomAD v4.1: 4 of 1,606,140 alleles (0.00025%); highest among the groups gnomAD compares: Non-Finnish European, 0.00034%; no homozygotes.

Submission:

Labcorp Genetics (formerly Invitae), Labcorp
Classification: Uncertain significance. Last evaluated: 2023-03-07. Review status: criteria provided, single submitter. Criteria: Invitae Variant Classification Sherloc (09022015). Collection method: clinical testing. Allele origin: germline.
Comment: This sequence change replaces lysine, which is basic and polar, with asparagine, which is neutral and polar, at codon 19 of the TNNI3K protein (p.Lys19Asn). This variant is not present in population databases (gnomAD no frequency). This variant has not been reported in the literature in individuals affected with TNNI3K-related conditions. Advanced modeling of protein sequence and biophysical properties (such as structural, functional, and spatial information, amino acid conservation, physicochemical variation, residue mobility, and thermodynamic stability) has been performed at Invitae for this missense variant, however the output from this modeling did not meet the statistical confidence thresholds required to predict the impact of this variant on TNNI3K protein function. In summary, the available evidence is currently insufficient to determine the role of this variant in disease. Therefore, it has been classified as a Variant of Uncertain Significance.

NM_015978.3(TNNI3K):c.57A>T (p.Lys19Asn)

Genes: FPGT-TNNI3K (FPGT-TNNI3K readthrough; plus strand), TNNI3K (TNNI3 interacting kinase; plus strand). Cytogenetic location: 1p31.1.
Variant type: single nucleotide variant.
Coding change: c.57A>T on transcript NM_015978.3 (MANE Select); coding-DNA position 57, A replaced by T.
Protein change: p.Lys19Asn; replaces lysine 19 with asparagine.
Molecular consequence: missense variant.
Genome position (GRCh38, 1-based): chr1:74,236,118, A>T. VCF-style: chr1-74236118-A-T. GRCh37 (hg19) VCF-style: chr1-74701802-A-T.
Other names: c.360A>T, p.Lys120Asn (NM_001112808.3, NM_001199327.2); short protein forms K120N, K19N.
Identifiers: ClinVar variation 2843560 (VCV002843560.3), dbSNP rs2524307211, ClinGen allele CA340786941.